The following is an entry in ClinVar:

ClinVar aggregate classification (germline): Likely pathogenic (1 of 4 stars; one submission).

Conditions:
Glutaric aciduria, type 1. Also called: Glutaric Acidemia Type 1; Glutaryl-CoA dehydrogenase deficiency; Glutaric acidemia type I; GA I; Glutaricacidemia Type 1; Glutaricaciduria, type I. Identifiers: Orphanet 25, MedGen C0268595, MONDO:0009281, OMIM 231670.

Submission:

Natera, Inc.
Classification: Likely pathogenic for Glutaric acidemia type 1. Last evaluated: 2025-11-03. Review status: criteria provided, single submitter. Criteria: Natera Variant Classification Schema (03/2026). Collection method: clinical testing. Allele origin: germline.
Comment: The c.299T>C variant in GCDH is a missense variant predicted to cause substitution of methionine to threonine at amino acid 100. This variant is rare in the general population with a frequency below the threshold expected for the associated phenotype(s). This variant has been observed in one or more individuals affected with the associated recessive disease, as either homozygous or compound heterozygous with a second variant (PMID: 34504725, 29665094). This variant has been identified in one or more affected individual with a phenotype highly consistent with the associated gene (PMID: 34504725). Computational prediction algorithms indicate this variant is likely to affect gene or protein function. Given the available evidence, this variant is classified as Likely Pathogenic.

Literature cited by the submitters: PubMed 34504725; PubMed 29665094.

NM_000159.4(GCDH):c.299T>C (p.Met100Thr)

Gene: GCDH (glutaryl-CoA dehydrogenase; plus strand). Cytogenetic location: 19p13.13.
Variant type: single nucleotide variant.
Coding change: c.299T>C on transcript NM_000159.4 (MANE Select); coding-DNA position 299, T replaced by C.
Protein change: p.Met100Thr; replaces methionine 100 with threonine.
Molecular consequence: missense variant. On other transcripts: non-coding transcript variant (1).
Genome position (GRCh38, 1-based): chr19:12,892,143, T>C. VCF-style: chr19-12892143-T-C. GRCh37 (hg19) VCF-style: chr19-13002957-T-C.
Other names: c.299T>C, p.Met100Thr (NM_013976.5); short protein forms M100T.
Identifiers: ClinVar variation 4817844 (VCV004817844.1).